The following is an entry in ClinVar:

ClinVar aggregate classification (germline): Likely pathogenic (1 of 4 stars; one submission).

Conditions:
Primary ciliary dyskinesia. Also called: Ciliary dyskinesia. Identifiers: Orphanet 244, MedGen C0008780, MONDO:0016575, HP:0012265.

Submission:

Natera, Inc.
Classification: Likely pathogenic for Primary ciliary dyskinesia. Last evaluated: 2024-07-02. Review status: criteria provided, single submitter. Criteria: Natera Variant Classification Schema (03/2026). Collection method: clinical testing. Allele origin: germline.
Comment: The c.4049_4050del variant in DNAH5 is a frameshift variant predicted to shift the reading frame beginning at codon 1350 and leads to a stop codon 7 codons downstream. This variant is expected to result in nonsense mediated decay, truncation, or a dysfunctional protein product. This variant is rare in the general population with a frequency below the threshold expected for the associated phenotype(s). Given the available evidence, this variant is classified as Likely Pathogenic.

NM_001369.3(DNAH5):c.4049_4050del (p.Asp1350fs)

Genes: DNAH5 (dynein axonemal heavy chain 5; minus strand), DNAH5-AS1 (DNAH5 antisense RNA 1; plus strand). Cytogenetic location: 5p15.2.
Variant type: Deletion.
Coding change: c.4049_4050del on transcript NM_001369.3 (MANE Select); coding-DNA positions 4049 to 4050, 2 bases deleted (AT; older notation c.4049_4050delAT).
Protein change: p.Asp1350fs; shifts the reading frame from aspartic acid 1350.
Molecular consequence: frameshift variant.
Genome position (GRCh38, 1-based): chr5:13,867,777-13,867,778, AT deleted on the plus strand (AT on the coding strand, the reverse complement: DNAH5 is on the minus strand). VCF-style (leftmost placement, unchanged base first): chr5-13867776-AAT-A. GRCh37 (hg19) VCF-style: chr5-13867885-AAT-A.
Other names: short protein forms D1350fs.
Identifiers: ClinVar variation 4814890 (VCV004814890.1).